The following is an entry in ClinVar:

ClinVar aggregate classification (germline): Benign. Review status: criteria provided, multiple submitters, no conflicts (2 of 4 stars). 2 submissions from 2 submitters: Benign (2). Last evaluated 2018-01-12.

Conditions:
Autosomal recessive ataxia due to ubiquinone deficiency. Also called: Coenzyme Q10 deficiency, primary, 4; SPINOCEREBELLAR ATAXIA, AUTOSOMAL RECESSIVE 9. Identifiers: Orphanet 139485, MedGen C2677589, MONDO:0012784, OMIM 612016.

Allele frequency attached by ClinVar (database versions not stated): gnomAD 0.01298 and 0.01402; TOPMed 0.01421; 1000 Genomes Project 30x 0.01562; 1000 Genomes Project 0.01697.

Submissions (2):

Illumina Laboratory Services, Illumina
Classification: Benign for Autosomal recessive ataxia due to ubiquinone deficiency. Last evaluated: 2018-01-12. Review status: criteria provided, single submitter. Criteria: ICSL Variant Classification Criteria 13 December 2019. Collection method: clinical testing. Allele origin: germline.
Comment: This variant was observed in the ICSL laboratory as part of a predisposition screen in an ostensibly healthy population. It had not been previously curated by ICSL or reported in the Human Gene Mutation Database (HGMD: prior to June 1st, 2018), and was therefore a candidate for classification through an automated scoring system. Utilizing variant allele frequency, disease prevalence and penetrance estimates, and inheritance mode, an automated score was calculated to assess if this variant is too frequent to cause the disease. Based on the score and internal cut-off values, a variant classified as benign is not then subjected to further curation. The score for this variant resulted in a classification of benign for this disease.

GeneDx
Classification: Benign. Last evaluated: 2013-05-13. Review status: criteria provided, single submitter. Criteria: GeneDx Variant Classification (06012015). Collection method: clinical testing. Allele origin: germline. Affected: yes.
Comment: This variant is considered likely benign or benign based on one or more of the following criteria: it is a conservative change, it occurs at a poorly conserved position in the protein, it is predicted to be benign by multiple in silico algorithms, and/or has population frequency not consistent with disease.

NM_020247.5(COQ8A):c.-10+8T>C

Genes: COQ8A (coenzyme Q8A; plus strand), LOC129932682 (ATAC-STARR-seq lymphoblastoid silent region 1896; plus strand). Cytogenetic location: 1q42.13.
Variant type: single nucleotide variant.
Coding change: c.-10+8T>C on transcript NM_020247.5 (MANE Select); 8 bases into the intron after 10 bases upstream of the start codon, T replaced by C.
Molecular consequence: intron variant.
Genome position (GRCh38, 1-based): chr1:226,940,407, T>C. VCF-style: chr1-226940407-T-C. GRCh37 (hg19) VCF-style: chr1-227128108-T-C.
Identifiers: ClinVar variation 136305 (VCV000136305.6), dbSNP rs145688619, ClinGen allele CA289314.